The following is an entry in ClinVar:

NM_000264.5(PTCH1):c.1543G>A (p.Val515Ile)

Gene: PTCH1 (patched 1; minus strand). Cytogenetic location: 9q22.32.
Variant type: single nucleotide variant.
Coding change: c.1543G>A on transcript NM_000264.5 (MANE Select); coding-DNA position 1543, G replaced by A.
Protein change: p.Val515Ile; replaces valine 515 with isoleucine.
Molecular consequence: missense variant. On other transcripts: non-coding transcript variant (1).
Genome position (GRCh38, 1-based): chr9:95,476,818, C>T on the plus strand (G>A on the coding strand, the complement: PTCH1 is on the minus strand). VCF-style: chr9-95476818-C-T. GRCh37 (hg19) VCF-style: chr9-98239100-C-T.
Other names: c.1345G>A, p.Val449Ile (NM_001083602.3); c.1540G>A, p.Val514Ile (NM_001083603.3); c.1090G>A, p.Val364Ile (NM_001083604.3, NM_001083605.3, NM_001083606.3 and 1 more transcripts); c.1387G>A, p.Val463Ile (NM_001354918.2); c.1543G>A (NM_000264.3); short protein forms V449I, V364I, V463I, V515I, V514I.
Identifiers: ClinVar variation 1449545 (VCV001449545.8), dbSNP rs2118283531, ClinGen allele CA374118274.

ClinVar aggregate classification (germline): Uncertain significance. Review status: criteria provided, multiple submitters, no conflicts (2 of 4 stars). 2 submissions from 2 submitters: Uncertain significance (2). Last evaluated 2023-03-30.

Conditions:
Gorlin syndrome. Also called: Basal cell nevus syndrome; Nevoid Basal Cell Carcinoma Syndrome. Identifiers: Orphanet 377, MedGen C0004779, MONDO:0007187.
Hereditary cancer-predisposing syndrome. Also called: Tumor predisposition; Hereditary neoplastic syndrome; Hereditary Cancer Syndrome; Neoplastic Syndromes, Hereditary. Identifiers: Orphanet 140162, MedGen C0027672, MeSH D009386, MONDO:0015356.

Submissions (2):

Ambry Genetics
Classification: Uncertain significance for Hereditary cancer-predisposing syndrome. Last evaluated: 2023-03-30. Review status: criteria provided, single submitter. Criteria: Ambry Variant Classification Scheme 2023. Collection method: clinical testing. Allele origin: germline.
Comment: The p.V515I variant (also known as c.1543G>A), located in coding exon 11 of the PTCH1 gene, results from a G to A substitution at nucleotide position 1543. The valine at codon 515 is replaced by isoleucine, an amino acid with highly similar properties. This amino acid position is conserved. In addition, the in silico prediction for this alteration is inconclusive. Since supporting evidence is limited at this time, the clinical significance of this alteration remains unclear.

Labcorp Genetics (formerly Invitae), Labcorp
Classification: Uncertain significance for Gorlin syndrome. Last evaluated: 2022-05-07. Review status: criteria provided, single submitter. Criteria: Invitae Variant Classification Sherloc (09022015). Collection method: clinical testing. Allele origin: germline.
Comment: In summary, the available evidence is currently insufficient to determine the role of this variant in disease. Therefore, it has been classified as a Variant of Uncertain Significance. Advanced modeling of protein sequence and biophysical properties (such as structural, functional, and spatial information, amino acid conservation, physicochemical variation, residue mobility, and thermodynamic stability) performed at Invitae indicates that this missense variant is not expected to disrupt PTCH1 protein function. This variant has not been reported in the literature in individuals affected with PTCH1-related conditions. This variant is not present in population databases (gnomAD no frequency). This sequence change replaces valine, which is neutral and non-polar, with isoleucine, which is neutral and non-polar, at codon 515 of the PTCH1 protein (p.Val515Ile).